The following is an entry in ClinVar:

NM_053025.4(MYLK):c.1673G>C (p.Arg558Pro)

Gene: MYLK (myosin light chain kinase; minus strand). Cytogenetic location: 3q21.1.
Variant type: single nucleotide variant.
Coding change: c.1673G>C on transcript NM_053025.4 (MANE Select); coding-DNA position 1673, G replaced by C.
Protein change: p.Arg558Pro; replaces arginine 558 with proline.
Molecular consequence: missense variant.
Genome position (GRCh38, 1-based): chr3:123,722,259, C>G on the plus strand (G>C on the coding strand, the complement: MYLK is on the minus strand). VCF-style: chr3-123722259-C-G. GRCh37 (hg19) VCF-style: chr3-123441106-C-G.
Other names: c.1673G>C (NM_053025.3); c.1145G>C, p.Arg382Pro (NM_001321309.2); c.1466G>C, p.Arg489Pro (NM_053026.4, NM_053028.4); c.1673G>C, p.Arg558Pro (NM_053027.4); short protein forms R382P, R558P, R489P.
Identifiers: ClinVar variation 2197494 (VCV002197494.6), dbSNP rs753464560, ClinGen allele CA067399.

ClinVar aggregate classification (germline): Conflicting classifications of pathogenicity. Review status: criteria provided, conflicting classifications (1 of 4 stars). 2 submissions from 2 submitters: Uncertain significance (1); Likely benign (1). Last evaluated 2025-07-08.

Conditions:
Familial thoracic aortic aneurysm and aortic dissection (TAAD). Also called: Thoracic aortic aneurysms and dissections. Identifiers: Orphanet 91387, MedGen C4707243, MONDO:0019625.
Aortic aneurysm, familial thoracic 7 (AAT7). Also called: AORTIC DISSECTION, FAMILIAL, WITH OR WITHOUT AORTIC ANEURYSM. Identifiers: MedGen C3151077, MONDO:0013418, OMIM 613780.

gnomAD v4.1: 82 of 1,569,900 alleles (0.0052%); highest among the groups gnomAD compares: South Asian, 0.072%; 1 homozygote.

Submissions (2):

Labcorp Genetics (formerly Invitae), Labcorp
Classification: Likely benign for Aortic aneurysm, familial thoracic 7. Last evaluated: 2025-07-08. Review status: criteria provided, single submitter. Criteria: Invitae Variant Classification Sherloc (09022015). Collection method: clinical testing. Allele origin: germline.

Ambry Genetics
Classification: Uncertain significance for Familial thoracic aortic aneurysm and aortic dissection. Last evaluated: 2023-07-05. Review status: criteria provided, single submitter. Criteria: Ambry Variant Classification Scheme 2023. Collection method: clinical testing. Allele origin: germline.
Comment: The p.R558P variant (also known as c.1673G>C), located in coding exon 10 of the MYLK gene, results from a G to C substitution at nucleotide position 1673. The arginine at codon 558 is replaced by proline, an amino acid with dissimilar properties. This amino acid position is conserved. In addition, this alteration is predicted to be tolerated by in silico analysis. Since supporting evidence is limited at this time, the clinical significance of this alteration remains unclear.